The following is an entry in ClinVar:

NM_014822.4(SEC24D):c.695C>G (p.Ala232Gly)

Gene: SEC24D (SEC24 homolog D, COPII component; minus strand). Cytogenetic location: 4q26.
Variant type: single nucleotide variant.
Coding change: c.695C>G on transcript NM_014822.4 (MANE Select); coding-DNA position 695, C replaced by G.
Protein change: p.Ala232Gly; replaces alanine 232 with glycine.
Molecular consequence: missense variant.
Genome position (GRCh38, 1-based): chr4:118,815,134, G>C on the plus strand (C>G on the coding strand, the complement: SEC24D is on the minus strand). VCF-style: chr4-118815134-G-C. GRCh37 (hg19) VCF-style: chr4-119736289-G-C.
Other names: c.698C>G, p.Ala233Gly (NM_001318066.2); short protein forms A232G, A233G.
Identifiers: ClinVar variation 1935342 (VCV001935342.5), dbSNP rs1730086048, ClinGen allele CA358015295.
Genomic context (GRCh38, chr4:118,815,134, plus strand): 5'-GGACCAGCCATCTGTGCAGGACCTCCAGGGAAGCCTCCTGGGTAAGACAGTTGTGCGCCT[G>C]CCATCTGGGGACCAGAGTTGGCTGCTTGGAAAAAATTTAAAGAGAAATGACTATCATCCC-3'
Protein context (NP_055637.2, residues 222-242): PQQANSGPQM[Ala232Gly]GAQLSYPGGF

ClinVar aggregate classification (germline): Uncertain significance (1 of 4 stars; one submission).

Allele frequency attached by ClinVar (database versions not stated): gnomAD exomes below 0.00001; TOPMed below 0.00001.
gnomAD v4.1: 1 of 1,614,074 alleles (0.000062%); highest among the groups gnomAD compares: Admixed American, 0.0017%; no homozygotes.

Submission:

Labcorp Genetics (formerly Invitae), Labcorp
Classification: Uncertain significance. Last evaluated: 2023-05-22. Review status: criteria provided, single submitter. Criteria: Invitae Variant Classification Sherloc (09022015). Collection method: clinical testing. Allele origin: germline.
Comment: This sequence change replaces alanine, which is neutral and non-polar, with glycine, which is neutral and non-polar, at codon 232 of the SEC24D protein (p.Ala232Gly). This variant is not present in population databases (gnomAD no frequency). This variant has not been reported in the literature in individuals affected with SEC24D-related conditions. ClinVar contains an entry for this variant (Variation ID: 1935342). Algorithms developed to predict the effect of missense changes on protein structure and function output the following: SIFT: "Not Available"; PolyPhen-2: "Benign"; Align-GVGD: "Not Available". The glycine amino acid residue is found in multiple mammalian species, which suggests that this missense change does not adversely affect protein function. In summary, the available evidence is currently insufficient to determine the role of this variant in disease. Therefore, it has been classified as a Variant of Uncertain Significance.